The following is an entry in ClinVar:

NM_020686.6(ABAT):c.*298C>T

Gene: ABAT (4-aminobutyrate aminotransferase; plus strand). Cytogenetic location: 16p13.2.
Variant type: single nucleotide variant.
Coding change: c.*298C>T on transcript NM_020686.6 (MANE Select); 298 bases downstream of the stop codon, C replaced by T.
Molecular consequence: 3 prime UTR variant.
Genome position (GRCh38, 1-based): chr16:8,781,728, C>T. VCF-style: chr16-8781728-C-T. GRCh37 (hg19) VCF-style: chr16-8875585-C-T.
Other names: c.*298C>T (NM_000663.5, NM_001127448.2, NM_001386600.1 and 14 more transcripts); c.*312C>T (NM_001386609.1, NM_001386616.1).
Identifiers: ClinVar variation 321098 (VCV000321098.6), dbSNP rs737694, ClinGen allele CA10648220.
Genomic context (GRCh38, chr16:8,781,728, plus strand): 5'-TTGAGCCCTGGACTCATCTTGGGAAGGGCCATGGGAGGTCCTGGCTAGAGTTCTGCCCAA[C>T]CTTGACCAACCCCAGCAATTTTTCCAAAAGCCAGTCAAGGGCATTACATTTGTTCCTGGG-3'

ClinVar aggregate classification (germline): Benign. Review status: criteria provided, multiple submitters, no conflicts (2 of 4 stars). 2 submissions from 2 submitters: Benign (2). Last evaluated 2018-01-13.

Conditions:
Gamma-aminobutyric acid transaminase deficiency (GABATD). Also called: GABA aminotransaminase deficiency; GABA transaminase deficiency; Gamma aminobutyrate transaminase deficiency; 4 alpha aminobutyrate transaminase deficiency. Identifiers: Orphanet 2066, MedGen C0342708, MONDO:0013166, OMIM 613163.

Allele frequency attached by ClinVar (database versions not stated): gnomAD exomes 0.02520; gnomAD 0.04251 and 0.04305; TOPMed 0.04651; 1000 Genomes Project 0.05292; 1000 Genomes Project 30x 0.05309.
gnomAD v4.1: 14,645 of 478,400 alleles (3.1%); highest among the groups gnomAD compares: African/African-American, 10%; 468 homozygotes.

Submissions (2):

Illumina Laboratory Services, Illumina
Classification: Benign for Gamma-aminobutyric acid transaminase deficiency. Last evaluated: 2018-01-13. Review status: criteria provided, single submitter. Criteria: ICSL Variant Classification Criteria 13 December 2019. Collection method: clinical testing. Allele origin: germline.
Comment: This variant was observed in the ICSL laboratory as part of a predisposition screen in an ostensibly healthy population. It had not been previously curated by ICSL or reported in the Human Gene Mutation Database (HGMD: prior to June 1st, 2018), and was therefore a candidate for classification through an automated scoring system. Utilizing variant allele frequency, disease prevalence and penetrance estimates, and inheritance mode, an automated score was calculated to assess if this variant is too frequent to cause the disease. Based on the score and internal cut-off values, a variant classified as benign is not then subjected to further curation. The score for this variant resulted in a classification of benign for this disease.

Breakthrough Genomics
Classification: Benign. Review status: criteria provided, single submitter. Criteria: ACMG Guidelines, 2015. Collection method: not provided. Allele origin: germline. Inheritance: Autosomal recessive inheritance. Affected: yes.